The following is an entry in ClinVar:

ClinVar aggregate classification (germline): Pathogenic (1 of 4 stars; one submission).

Submission:

GeneDx
Classification: Pathogenic. Last evaluated: 2024-03-11. Review status: criteria provided, single submitter. Criteria: GeneDx Variant Classification Process June 2021. Collection method: clinical testing. Allele origin: germline. Affected: yes.
Comment: Canonical splice site variant predicted to result in a null allele in a gene for which loss of function is a known mechanism of disease; Not observed at significant frequency in large population cohorts (gnomAD); Has not been previously published as pathogenic or benign to our knowledge

NM_001040142.2(SCN2A):c.3521-1G>T

Gene: SCN2A (sodium voltage-gated channel alpha subunit 2; plus strand). Cytogenetic location: 2q24.3.
Variant type: single nucleotide variant.
Coding change: c.3521-1G>T on transcript NM_001040142.2 (MANE Select); the canonical splice acceptor site of the intron before coding-DNA position 3521, G replaced by T.
Molecular consequence: splice acceptor variant.
Genome position (GRCh38, 1-based): chr2:165,367,216, G>T. VCF-style: chr2-165367216-G-T. GRCh37 (hg19) VCF-style: chr2-166223726-G-T.
Other names: c.3521-1G>T (NM_001040143.2, NM_001371246.1, NM_001371247.1 and 1 more transcripts).
Identifiers: ClinVar variation 3340818 (VCV003340818.1).